The following is an entry in ClinVar:

NM_177438.3(DICER1):c.4051-1G>T

Gene: DICER1 (dicer 1, ribonuclease III; minus strand). Cytogenetic location: 14q32.13.
Variant type: single nucleotide variant.
Coding change: c.4051-1G>T on transcript NM_177438.3 (MANE Select); the canonical splice acceptor site of the intron before coding-DNA position 4051, G replaced by T.
Molecular consequence: splice acceptor variant.
Genome position (GRCh38, 1-based): chr14:95,099,936, C>A on the plus strand (G>T on the coding strand, the complement: DICER1 is on the minus strand). VCF-style: chr14-95099936-C-A. GRCh37 (hg19) VCF-style: chr14-95566273-C-A.
Other names: c.4051-1G>T (NM_001291628.2, NM_030621.4, NM_001395677.1 and 12 more transcripts); c.3646-1G>T (NM_001395690.1, NM_001395687.1, NM_001395689.1 and 2 more transcripts); c.3769-1G>T (NM_001395686.1); c.3484-1G>T (NM_001395691.1); c.2368-1G>T (NM_001395697.1).
Identifiers: ClinVar variation 2840135 (VCV002840135.3), dbSNP rs1595354013, ClinGen allele CA390872362.

ClinVar aggregate classification (germline): Likely pathogenic (1 of 4 stars; one submission).

Conditions:
DICER1-related tumor predisposition. Also called: DICER1-related pleuropulmonary blastoma cancer predisposition syndrome; DICER1 syndrome. Identifiers: Orphanet 284343, MedGen C3839822, MONDO:0100216.

Submission:

Labcorp Genetics (formerly Invitae), Labcorp
Classification: Likely pathogenic for DICER1-related tumor predisposition. Last evaluated: 2025-05-12. Review status: criteria provided, single submitter. Criteria: Invitae Variant Classification Sherloc (09022015). Collection method: clinical testing. Allele origin: germline.
Comment: This sequence change affects an acceptor splice site in intron 21 of the DICER1 gene. It is expected to disrupt RNA splicing. Variants that disrupt the donor or acceptor splice site typically lead to a loss of protein function (PMID: 16199547), and loss-of-function variants in DICER1 are known to be pathogenic (PMID: 19556464, 21266384). This variant is not present in population databases (gnomAD no frequency). This variant has not been reported in the literature in individuals affected with DICER1-related conditions. ClinVar contains an entry for this variant (Variation ID: 2840135). Algorithms developed to predict the effect of sequence changes on RNA splicing suggest that this variant may disrupt the consensus splice site. In summary, the currently available evidence indicates that the variant is pathogenic, but additional data are needed to prove that conclusively. Therefore, this variant has been classified as Likely Pathogenic.

Literature cited by the submitters: PubMed 16199547; PubMed 19556464; PubMed 21266384.